The following is an entry in ClinVar:

NM_000091.5(COL4A3):c.3142G>C (p.Gly1048Arg)

Genes: COL4A3 (collagen type IV alpha 3 chain; plus strand), MFF-DT (MFF divergent transcript; minus strand). Cytogenetic location: 2q36.3.
Variant type: single nucleotide variant.
Coding change: c.3142G>C on transcript NM_000091.5 (MANE Select); coding-DNA position 3142, G replaced by C.
Protein change: p.Gly1048Arg; replaces glycine 1048 with arginine.
Molecular consequence: missense variant.
Genome position (GRCh38, 1-based): chr2:227,290,818, G>C. VCF-style: chr2-227290818-G-C. GRCh37 (hg19) VCF-style: chr2-228155534-G-C.
Other names: short protein forms G1048R.
Identifiers: ClinVar variation 562253 (VCV000562253.3), dbSNP rs1559906448, ClinGen allele CA350855696.

ClinVar aggregate classification (germline): Uncertain significance. Review status: criteria provided, single submitter (1 of 4 stars). 2 submissions from 2 submitters: Uncertain significance (1). 1 of the submissions does not count toward it. Last evaluated 2025-08-26.

Submissions (2):

Labcorp Genetics (formerly Invitae), Labcorp
Classification: Uncertain significance. Last evaluated: 2025-08-26. Review status: criteria provided, single submitter. Criteria: Invitae Variant Classification Sherloc (09022015). Collection method: clinical testing. Allele origin: germline.
Comment: This sequence change replaces glycine, which is neutral and non-polar, with arginine, which is basic and polar, at codon 1048 of the COL4A3 protein (p.Gly1048Arg). This variant is not present in population databases (gnomAD no frequency). This missense change has been observed in individual(s) with clinical features of COL4A3-related conditions (internal data). ClinVar contains an entry for this variant (Variation ID: 562253). Invitae Evidence Modeling of protein sequence and biophysical properties (such as structural, functional, and spatial information, amino acid conservation, physicochemical variation, residue mobility, and thermodynamic stability) indicates that this missense variant is expected to disrupt COL4A3 protein function with a positive predictive value of 80%. In summary, the available evidence is currently insufficient to determine the role of this variant in disease. Therefore, it has been classified as a Variant of Uncertain Significance.

Gharavi Laboratory, Columbia University
Classification: Likely pathogenic. Last evaluated: 2018-09-16. Review status: no assertion criteria provided. Criteria: ACMG Guidelines, 2015. Collection method: research. Allele origin: germline. Affected: yes. Not counted in ClinVar's aggregate classification.